The following is an entry in ClinVar:

NM_000548.5(TSC2):c.1308G>C (p.Pro436=)

Gene: TSC2 (TSC complex subunit 2; plus strand). Cytogenetic location: 16p13.3.
Variant type: single nucleotide variant.
Coding change: c.1308G>C on transcript NM_000548.5 (MANE Select); coding-DNA position 1308, G replaced by C.
Protein change: p.Pro436=; no amino-acid change (proline 436 retained).
Molecular consequence: synonymous variant.
Genome position (GRCh38, 1-based): chr16:2,062,547, G>C. VCF-style: chr16-2062547-G-C. GRCh37 (hg19) VCF-style: chr16-2112548-G-C.
Other names: c.1308G>C, p.Pro436= (NM_001077183.3, NM_001114382.3, NM_001363528.2 and 3 more transcripts); c.1197G>C, p.Pro399= (NM_001318827.2); c.1161G>C, p.Pro387= (NM_001318829.2); c.708G>C, p.Pro236= (NM_001318831.2); c.1341G>C, p.Pro447= (NM_001318832.2).
Identifiers: ClinVar variation 696884 (VCV000696884.17), dbSNP rs753764275, ClinGen allele CA492962413.
Genomic context (GRCh38, chr16:2,062,547, plus strand): 5'-CTTTTGACAGGAGTCCTCCCTCCTGAACCTGATCTCCTATAGAGCGCAGTCCATCCACCC[G>C]GCCAAGGACGGCTGGATTCAGAACCTGCAGGCGCTGATGGAGAGATTCTTCAGGTAGGGG-3'
Protein context (NP_000539.2, residues 426-446): LISYRAQSIH[Pro436=]AKDGWIQNLQ

ClinVar aggregate classification (germline): Benign/Likely benign. Review status: criteria provided, multiple submitters, no conflicts (2 of 4 stars). 6 submissions from 6 submitters: Benign (1); Likely benign (5). Last evaluated 2025-10-15.

Conditions:
Tuberous sclerosis 2 (TSC2). Identifiers: Orphanet 805, MedGen C1860707, MONDO:0013199, OMIM 613254.
Hereditary cancer-predisposing syndrome. Also called: Tumor predisposition; Hereditary neoplastic syndrome; Hereditary Cancer Syndrome; Neoplastic Syndromes, Hereditary. Identifiers: Orphanet 140162, MedGen C0027672, MeSH D009386, MONDO:0015356.
Tuberous sclerosis syndrome (TSC). Also called: Tuberous Sclerosis Complex; Tuberous sclerosis. Identifiers: Orphanet 805, MedGen C0041341, MONDO:0001734.

Allele frequency attached by ClinVar (database versions not stated): TOPMed 0.00002.
gnomAD v4.1: 3 of 1,612,306 alleles (0.00019%); highest among the groups gnomAD compares: African/African-American, 0.0027%; no homozygotes.

Submissions (6):

Labcorp Genetics (formerly Invitae), Labcorp
Classification: Likely benign for Tuberous sclerosis 2. Last evaluated: 2025-10-15. Review status: criteria provided, single submitter. Criteria: Invitae Variant Classification Sherloc (09022015). Collection method: clinical testing. Allele origin: germline.

Myriad Genetics, Inc.
Classification: Benign for Tuberous sclerosis 2. Last evaluated: 2025-05-13. Review status: criteria provided, single submitter. Criteria: Myriad Autosomal Dominant, Autosomal Recessive and X-Linked Classification Criteria (2023). Collection method: clinical testing. Allele origin: unknown.
Comment: This variant is considered benign. This variant is a silent/synonymous amino acid change and it is not expected to impact splicing.

All of Us Research Program, National Institutes of Health
Classification: Likely benign for Tuberous sclerosis syndrome. Last evaluated: 2023-10-02. Review status: criteria provided, single submitter. Criteria: ACMG Guidelines, 2015. Collection method: clinical testing. Allele origin: germline. Inheritance: Autosomal dominant inheritance. Observed: 1 variant allele, 1 heterozygote.
Comment: This study involves interpretation of variants in research participants for the purpose of population health screening. Participant phenotype was not available at the time of variant classification. Additional details can be found in publication PMID: 35346344, PMCID: PMC8962531

Color Diagnostics, LLC DBA Color Health
Classification: Likely benign for Tuberous sclerosis syndrome. Last evaluated: 2022-09-20. Review status: criteria provided, single submitter. Criteria: ACMG Guidelines, 2015. Collection method: clinical testing. Allele origin: germline.

GeneDx
Classification: Likely benign. Last evaluated: 2022-05-11. Review status: criteria provided, single submitter. Criteria: GeneDx Variant Classification Process June 2021. Collection method: clinical testing. Allele origin: germline. Affected: yes.
Comment: See Variant Classification Assertion Criteria.

Ambry Genetics
Classification: Likely benign for Hereditary cancer-predisposing syndrome. Last evaluated: 2020-01-14. Review status: criteria provided, single submitter. Criteria: Ambry Variant Classification Scheme 2023. Collection method: clinical testing. Allele origin: germline.